The following is an entry in ClinVar:

ClinVar aggregate classification (germline): Likely benign. Review status: criteria provided, multiple submitters, no conflicts (2 of 4 stars). 2 submissions from 2 submitters: Likely benign (2). Last evaluated 2025-10-31.

Allele frequency attached by ClinVar (database versions not stated): gnomAD exomes below 0.00001 and 0.00003; ExAC 0.00001; gnomAD 0.00001; TOPMed 0.00001.
gnomAD v4.1: 46 of 1,613,946 alleles (0.0029%); highest among the groups gnomAD compares: Non-Finnish European, 0.0038%; no homozygotes.

Submissions (2):

Mayo Clinic Laboratories, Mayo Clinic
Classification: Likely benign. Last evaluated: 2025-10-31. Review status: criteria provided, single submitter. Criteria: ACMG Guidelines, 2015. Collection method: clinical testing. Allele origin: germline. Observed: 1 variant allele.
Comment: BP4, BP7

Labcorp Genetics (formerly Invitae), Labcorp
Classification: Likely benign. Last evaluated: 2024-08-13. Review status: criteria provided, single submitter. Criteria: Invitae Variant Classification Sherloc (09022015). Collection method: clinical testing. Allele origin: germline.

NM_006214.4(PHYH):c.405T>G (p.Thr135=)

Gene: PHYH (phytanoyl-CoA 2-hydroxylase; minus strand). Cytogenetic location: 10p13.
Variant type: single nucleotide variant.
Coding change: c.405T>G on transcript NM_006214.4 (MANE Select); coding-DNA position 405, T replaced by G.
Protein change: p.Thr135=; no amino-acid change (threonine 135 retained).
Molecular consequence: synonymous variant.
Genome position (GRCh38, 1-based): chr10:13,294,437, A>C on the plus strand (T>G on the coding strand, the complement: PHYH is on the minus strand). VCF-style: chr10-13294437-A-C. GRCh37 (hg19) VCF-style: chr10-13336437-A-C.
Other names: p.Thr135=; c.105T>G, p.Thr35= (NM_001037537.2, NM_001323080.2, NM_001323084.2); c.405T>G, p.Thr135= (NM_001323082.2, NM_001323083.2).
Identifiers: ClinVar variation 792146 (VCV000792146.9), dbSNP rs759632366, ClinGen allele CA5412393.